The following is an entry in ClinVar:

ClinVar aggregate classification (germline): Uncertain significance (1 of 4 stars; one submission).

Allele frequency attached by ClinVar (database versions not stated): gnomAD exomes below 0.00001.
gnomAD v4.1: 5 of 1,613,772 alleles (0.00031%); highest among the groups gnomAD compares: African/African-American, 0.0013%; no homozygotes.

Submission:

Labcorp Genetics (formerly Invitae), Labcorp
Classification: Uncertain significance. Last evaluated: 2025-09-30. Review status: criteria provided, single submitter. Criteria: Invitae Variant Classification Sherloc (09022015). Collection method: clinical testing. Allele origin: germline.
Comment: This sequence change replaces arginine, which is basic and polar, with tryptophan, which is neutral and slightly polar, at codon 457 of the TAOK2 protein (p.Arg457Trp). This variant is not present in population databases (gnomAD no frequency). This variant has not been reported in the literature in individuals affected with TAOK2-related conditions. ClinVar contains an entry for this variant (Variation ID: 1924405). An algorithm developed to predict the effect of missense changes on protein structure and function (PolyPhen-2) suggests that this variant is likely to be disruptive. In summary, the available evidence is currently insufficient to determine the role of this variant in disease. Therefore, it has been classified as a Variant of Uncertain Significance.

NM_016151.4(TAOK2):c.1369C>T (p.Arg457Trp)

Gene: TAOK2 (TAO kinase 2; plus strand). Cytogenetic location: 16p11.2.
Variant type: single nucleotide variant.
Coding change: c.1369C>T on transcript NM_016151.4 (MANE Select); coding-DNA position 1369, C replaced by T.
Protein change: p.Arg457Trp; replaces arginine 457 with tryptophan.
Molecular consequence: missense variant.
Genome position (GRCh38, 1-based): chr16:29,983,611, C>T. VCF-style: chr16-29983611-C-T. GRCh37 (hg19) VCF-style: chr16-29994932-C-T.
Other names: c.1369C>T, p.Arg457Trp (NM_001252043.2, NM_004783.4); short protein forms R457W.
Identifiers: ClinVar variation 1924405 (VCV001924405.5), dbSNP rs1567244447, ClinGen allele CA395481897.